The following is an entry in ClinVar:

NM_000245.4(MET):c.3633-14del

Gene: MET (MET proto-oncogene, receptor tyrosine kinase; plus strand). Cytogenetic location: 7q31.2.
Variant type: Deletion.
Coding change: c.3633-14del on transcript NM_000245.4 (MANE Select); 14 bases into the intron before coding-DNA position 3633, one base deleted (T; older notation c.3633-14delT).
Molecular consequence: intron variant.
Genome position (GRCh38, 1-based): chr7:116,783,290, T deleted; the last of 5 consecutive T bases (chr7:116,783,286-116,783,290); deleting any one gives the same sequence. VCF-style (leftmost placement, unchanged base first): chr7-116783285-AT-A. GRCh37 (hg19) VCF-style: chr7-116423339-AT-A.
Other names: c.3687-14del (NM_001127500.3); c.2343-14del (NM_001324402.2).
Identifiers: ClinVar variation 3773477 (VCV003773477.1).

ClinVar aggregate classification (germline): Likely benign (1 of 4 stars; one submission).

Conditions:
Papillary renal cell carcinoma type 1 (RCCP1). Also called: RENAL CELL CARCINOMA, PAPILLARY, 1, SOMATIC; Renal adenocarcinoma; Renal cell carcinoma 1; Renal cell carcinoma, somatic. Identifiers: Orphanet 47044, MedGen C1336839, OMIM 605074, HP:0011797.

Submission:

Myriad Genetics, Inc.
Classification: Likely benign for Papillary renal cell carcinoma type 1. Last evaluated: 2024-11-13. Review status: criteria provided, single submitter. Criteria: Myriad Autosomal Dominant, Autosomal Recessive and X-Linked Classification Criteria (2023). Collection method: clinical testing. Allele origin: unknown.
Comment: This variant is considered likely benign. This variant is intronic and is not expected to impact mRNA splicing.